The following is an entry in ClinVar:

ClinVar aggregate classification (germline): Likely pathogenic (1 of 4 stars; one submission).

Conditions:
Dystonia 12 (DYT12). Also called: Rapid-Onset Dystonia-Parkinsonism (RDP); DYT-ATP1A3. Identifiers: Orphanet 71517, MedGen C1868681, MONDO:0007496, OMIM 128235.

Submission:

Labcorp Genetics (formerly Invitae), Labcorp
Classification: Likely pathogenic for Dystonia 12. Last evaluated: 2024-02-18. Review status: criteria provided, single submitter. Criteria: Invitae Variant Classification Sherloc (09022015). Collection method: clinical testing. Allele origin: germline.
Comment: This sequence change replaces tyrosine, which is neutral and polar, with serine, which is neutral and polar, at codon 768 of the ATP1A3 protein (p.Tyr768Ser). This variant is not present in population databases (gnomAD no frequency). This missense change has been observed in individual(s) with dystonia (Invitae). Advanced modeling of protein sequence and biophysical properties (such as structural, functional, and spatial information, amino acid conservation, physicochemical variation, residue mobility, and thermodynamic stability) performed at Invitae indicates that this missense variant is expected to disrupt ATP1A3 protein function with a positive predictive value of 95%. This variant disrupts the p.Tyr768 amino acid residue in ATP1A3. Other variant(s) that disrupt this residue have been determined to be pathogenic (PMID: 25996915; Invitae). This suggests that this residue is clinically significant, and that variants that disrupt this residue are likely to be disease-causing. In summary, the currently available evidence indicates that the variant is pathogenic, but additional data are needed to prove that conclusively. Therefore, this variant has been classified as Likely Pathogenic.

Literature cited by the submitters: PubMed 25996915.

NM_152296.5(ATP1A3):c.2303A>C (p.Tyr768Ser)

Gene: ATP1A3 (ATPase Na+/K+ transporting subunit alpha 3; minus strand). Cytogenetic location: 19q13.2.
Variant type: single nucleotide variant.
Coding change: c.2303A>C on transcript NM_152296.5 (MANE Select); coding-DNA position 2303, A replaced by C.
Protein change: p.Tyr768Ser; replaces tyrosine 768 with serine.
Molecular consequence: missense variant.
Genome position (GRCh38, 1-based): chr19:41,970,503, T>G on the plus strand (A>C on the coding strand, the complement: ATP1A3 is on the minus strand). VCF-style: chr19-41970503-T-G. GRCh37 (hg19) VCF-style: chr19-42474655-T-G.
Other names: c.2336A>C, p.Tyr779Ser (NM_001256213.2); c.2342A>C, p.Tyr781Ser (NM_001256214.2); short protein forms Y779S, Y768S, Y781S.
Identifiers: ClinVar variation 3636261 (VCV003636261.2).